The following is an entry in ClinVar:

NM_176787.5(PIGN):c.2528T>C (p.Met843Thr)

Gene: PIGN (phosphatidylinositol glycan anchor biosynthesis class N; minus strand). Cytogenetic location: 18q21.33.
Variant type: single nucleotide variant.
Coding change: c.2528T>C on transcript NM_176787.5 (MANE Select); coding-DNA position 2528, T replaced by C.
Protein change: p.Met843Thr; replaces methionine 843 with threonine.
Molecular consequence: missense variant.
Genome position (GRCh38, 1-based): chr18:62,082,721, A>G on the plus strand (T>C on the coding strand, the complement: PIGN is on the minus strand). VCF-style: chr18-62082721-A-G. GRCh37 (hg19) VCF-style: chr18-59749954-A-G.
Other names: c.2528T>C, p.Met843Thr (NM_012327.6); short protein forms M843T.
Identifiers: ClinVar variation 848979 (VCV000848979.7), dbSNP rs983436635, ClinGen allele CA301688664.

ClinVar aggregate classification (germline): Uncertain significance (1 of 4 stars; one submission).

Conditions:
Multiple congenital anomalies-hypotonia-seizures syndrome 1 (MCAHS1). Also called: GLYCOSYLPHOSPHATIDYLINOSITOL BIOSYNTHESIS DEFECT 3; PIGN-CDG; Congenital disorder of glycosylation due to PIGN deficiency. Identifiers: Orphanet 280633, MedGen C3279775, MONDO:0013563, OMIM 614080.

Allele frequency attached by ClinVar (database versions not stated): gnomAD exomes 0.00001; gnomAD 0.00002; TOPMed 0.00005.
gnomAD v4.1: 11 of 1,552,472 alleles (0.00071%); highest among the groups gnomAD compares: African/African-American, 0.0054%; no homozygotes.

Submission:

Labcorp Genetics (formerly Invitae), Labcorp
Classification: Uncertain significance for Multiple congenital anomalies-hypotonia-seizures syndrome 1. Last evaluated: 2022-04-01. Review status: criteria provided, single submitter. Criteria: Invitae Variant Classification Sherloc (09022015). Collection method: clinical testing. Allele origin: germline.
Comment: This sequence change replaces methionine, which is neutral and non-polar, with threonine, which is neutral and polar, at codon 843 of the PIGN protein (p.Met843Thr). The frequency data for this variant in the population databases is considered unreliable, as metrics indicate poor data quality at this position in the gnomAD database. This variant has not been reported in the literature in individuals affected with PIGN-related conditions. ClinVar contains an entry for this variant (Variation ID: 848979). Algorithms developed to predict the effect of missense changes on protein structure and function (SIFT, PolyPhen-2, Align-GVGD) all suggest that this variant is likely to be tolerated. Algorithms developed to predict the effect of sequence changes on RNA splicing suggest that this variant may disrupt the consensus splice site. In summary, the available evidence is currently insufficient to determine the role of this variant in disease. Therefore, it has been classified as a Variant of Uncertain Significance.